The following is an entry in ClinVar:

ClinVar aggregate classification (germline): Pathogenic/Likely pathogenic. Review status: criteria provided, multiple submitters, no conflicts (2 of 4 stars). 7 submissions from 7 submitters: Pathogenic (2); Likely pathogenic (3). 2 of the submissions do not count toward it. Last evaluated 2025-11-11.

Conditions:
Neuronal ceroid lipofuscinosis. Also called: Neuronal Ceroid Lipofuscinoses. Identifiers: Orphanet 216, Orphanet 79263, MedGen C0027877, MONDO:0016295. Disease mechanism: loss of function.
Neuronal ceroid lipofuscinosis 2. Also called: JANSKY-BIELSCHOWSKY DISEASE NEURONAL CEROID LIPOFUSCINOSIS, LATE INFANTILE; TPP1-Related Neuronal Ceroid-Lipofuscinosis. Identifiers: Orphanet 168491, Orphanet 228349, Orphanet 79264, MedGen C1876161, MONDO:0008769, OMIM 204500.

Allele frequency attached by ClinVar (database versions not stated): ESP Exome Variant Server 0.00008; TOPMed 0.00001.
gnomAD v4.1: 6 of 1,613,978 alleles (0.00037%); highest among the groups gnomAD compares: Non-Finnish European, 0.00051%; no homozygotes.

Submissions (7):

Labcorp Genetics (formerly Invitae), Labcorp
Classification: Pathogenic. Last evaluated: 2025-11-11. Review status: criteria provided, single submitter. Criteria: Invitae Variant Classification Sherloc (09022015). Collection method: clinical testing. Allele origin: germline.
Comment: This sequence change replaces arginine, which is basic and polar, with glutamine, which is neutral and polar, at codon 127 of the TPP1 protein (p.Arg127Gln). This variant also falls at the last nucleotide of exon 4, which is part of the consensus splice site for this exon. This variant is not present in population databases (gnomAD no frequency). This missense change has been observed in individual(s) with clinical features of neuronal ceroid lipofuscinosis (PMID: 11339651, 12376936, 17679671, 30119717, 30771299, 36801247; internal data). In at least one individual the data is consistent with being in trans (on the opposite chromosome) from a pathogenic variant. ClinVar contains an entry for this variant (Variation ID: 68746). An algorithm developed to predict the effect of missense changes on protein structure and function outputs the following: PolyPhen-2: "Benign". The glutamine amino acid residue is found in multiple mammalian species, which suggests that this missense change does not adversely affect protein function. Experimental studies are conflicting or provide insufficient evidence to determine the effect of this variant on TPP1 function (PMID: 15317752, 20340139). Variants that disrupt the consensus splice site are a relatively common cause of aberrant splicing (PMID: 17576681, 9536098). Algorithms developed to predict the effect of sequence changes on RNA splicing suggest that this variant may disrupt the consensus splice site. For these reasons, this variant has been classified as Pathogenic.

Natera, Inc.
Classification: Pathogenic for Neuronal ceroid lipofuscinosis 2. Last evaluated: 2025-10-12. Review status: criteria provided, single submitter. Criteria: Natera Variant Classification Schema (03/2026). Collection method: clinical testing. Allele origin: germline.
Comment: The c.380G>A variant in TPP1 is a missense variant predicted to cause substitution of arginine to glutamine at amino acid 127. This variant is rare in the general population with a frequency below the threshold expected for the associated phenotype(s). This variant has been observed in one or more individuals affected with the associated recessive disease, as either homozygous or compound heterozygous with a second variant (PMID: 17679671, 21990111). Additionally, this variant has been observed to segregate in affected family members (PMID: 17679671, 21990111). Functional studies show that this variant may disrupt protein function (PMID: 15317752). Given the available evidence, this variant is classified as Pathogenic.

Women's Health and Genetics/Laboratory Corporation of America, LabCorp
Classification: Likely pathogenic for Neuronal ceroid lipofuscinosis. Last evaluated: 2022-08-18. Review status: criteria provided, single submitter. Criteria: LabCorp Variant Classification Summary - May 2015. Collection method: clinical testing. Allele origin: germline.
Comment: Variant summary: TPP1 c.380G>A (p.Arg127Gln) results in a conservative amino acid change located in the Peptidase S53, activation domain of the encoded protein sequence. Four of five in-silico tools predict a benign effect of the variant on protein function. As the nucleotide change corresponds to an exonic splice-region (last nucleotide of exon 4), several computational tools predict a significant impact on normal splicing: Five predict the variant weakens a 5' donor site. At least one publication reports experimental evidence that this variant affects mRNA splicing (Steinfeld_2004). The variant was absent in 251472 control chromosomes (gnomAD). c.380G>A has been reported in the literature in individuals affected with Neuronal Ceroid-Lipofuscinosis (Batten Disease) (Steinfeld_2004, Zhong_2000, Worgall_2007, Sima_2018, Nickel_2018, Lukacs_2019). These data indicate that the variant is likely to be associated with disease. Functional studies report experimental evidence evaluating an impact on protein function. The most pronounced variant effect results in >50%-90% of normal enzymatic activity (Steinfeld_2004, Walus_2010). Three ClinVar submitters (evaluation after 2014) cite the variant as uncertain significance (n=1) and likely pathogenic (n=2). Based on the evidence outlined above, the variant was classified as likely pathogenic.

GeneDx
Classification: Likely pathogenic. Last evaluated: 2020-07-16. Review status: criteria provided, single submitter. Criteria: GeneDx Variant Classification Process June 2021. Collection method: clinical testing. Allele origin: germline. Affected: yes.
Comment: Not observed in large population cohorts (Lek et al., 2016); In silico analysis supports that this missense variant does not alter protein structure/function; In-silico analysis, which includes splice predictors and evolutionary conservation, is inconclusive as to whether the variant alters gene splicing. In the absence of RNA/functional studies, the actual effect of this sequence change is unknown.; This variant is associated with the following publications: (PMID: 20340139, 25525159, 11339651, 21990111, 12376936, 29631617, 15317752)

Neuberg Centre For Genomic Medicine, NCGM
Classification: Likely pathogenic for Neuronal ceroid lipofuscinosis 2. Review status: criteria provided, single submitter. Criteria: ACMG Guidelines, 2015. Collection method: clinical testing. Allele origin: germline. Affected: yes.
Comment: The missense variant p.R127Q in TPP1 (NM_000391.4) has been previously observed in individual(s) with clinical features of neuronal ceroid lipofuscinosis (Zhong et al., 2000; Worgall et al., 2007; Steinfeld et al., 2002). The p.R127Q variant is novel (not in any individuals) in gnomAD Exomes and is novel (not in any individuals) in 1000 Genomes. This variant also falls at the last nucleotide of exon 4 of the TPP1 coding sequence, which is part of the consensus splice site for this exon. Nucleotide substitutions within the consensus splice site are a relatively common cause of aberrant splicing. Algorithms developed to predict the effect of sequence changes on RNA splicing suggest that this variant may disrupt the consensus splice site, but this prediction has not been confirmed by published transcriptional studies. For these reasons, this variant has been classified as Likely Pathogenic.

Counsyl
Classification: Likely pathogenic for Neuronal ceroid lipofuscinosis 2. Last evaluated: 2017-08-16. Review status: no assertion criteria provided. Collection method: clinical testing. Allele origin: unknown. Not counted in ClinVar's aggregate classification.

UniProtKB/Swiss-Prot
No classification provided. Condition: Ceroid lipofuscinosis, neuronal, 2. Review status: no classification provided. Collection method: not provided. Allele origin: not provided. Not counted in ClinVar's aggregate classification.

Literature cited by the submitters: PubMed 11339651 (cited by Labcorp Genetics (formerly Invitae), Labcorp and Women's Health and Genetics/Laboratory Corporation of America, LabCorp); PubMed 12376936 (cited by Labcorp Genetics (formerly Invitae), Labcorp); PubMed 17679671 (cited by 4 submitters); PubMed 30119717 (cited by Labcorp Genetics (formerly Invitae), Labcorp and Women's Health and Genetics/Laboratory Corporation of America, LabCorp); PubMed 30771299 (cited by Labcorp Genetics (formerly Invitae), Labcorp and Women's Health and Genetics/Laboratory Corporation of America, LabCorp); PubMed 36801247 (cited by Labcorp Genetics (formerly Invitae), Labcorp); PubMed 15317752 (cited by 4 submitters); PubMed 20340139 (cited by 3 submitters); PubMed 17576681 (cited by Labcorp Genetics (formerly Invitae), Labcorp); PubMed 9536098 (cited by Labcorp Genetics (formerly Invitae), Labcorp); PubMed 21990111 (cited by Natera, Inc. and Counsyl); PubMed 29631617 (cited by Women's Health and Genetics/Laboratory Corporation of America, LabCorp); PubMed 28165011 (cited by Women's Health and Genetics/Laboratory Corporation of America, LabCorp).

NM_000391.4(TPP1):c.380G>A (p.Arg127Gln)

Gene: TPP1 (tripeptidyl peptidase 1; minus strand). Cytogenetic location: 11p15.4.
Variant type: single nucleotide variant.
Coding change: c.380G>A on transcript NM_000391.4 (MANE Select); coding-DNA position 380, G replaced by A.
Protein change: p.Arg127Gln; replaces arginine 127 with glutamine.
Molecular consequence: missense variant.
Genome position (GRCh38, 1-based): chr11:6,617,626, C>T on the plus strand (G>A on the coding strand, the complement: TPP1 is on the minus strand). VCF-style: chr11-6617626-C-T. GRCh37 (hg19) VCF-style: chr11-6638857-C-T.
Other names: short protein forms R127Q.
Identifiers: ClinVar variation 68746 (VCV000068746.18), dbSNP rs121908204, ClinGen allele CA266188.
Genomic context (GRCh38, chr11:6,617,626, plus strand): 5'-CCCATCCATCTCACTGATGGGATGACTGGTGCCCTCCATGGAGCAATCATTTCCTCTCAC[C>T]GGATGCTCAGCCAGCAAGTCAGAAAGTCCTGTGTGATCACAGAATGGCACTTCTGGGCTC-3'
Protein context (NP_000382.3, residues 117-137): QDFLTCWLSI[Arg127Gln]QAELLLPGAE